The following is an entry in ClinVar:

NM_139318.5(KCNH5):c.2954A>T (p.Glu985Val)

Gene: KCNH5 (potassium voltage-gated channel subfamily H member 5; minus strand). Cytogenetic location: 14q23.2.
Variant type: single nucleotide variant.
Coding change: c.2954A>T on transcript NM_139318.5 (MANE Select); coding-DNA position 2954, A replaced by T.
Protein change: p.Glu985Val; replaces glutamic acid 985 with valine.
Molecular consequence: missense variant. On other transcripts: 3 prime UTR variant (1).
Genome position (GRCh38, 1-based): chr14:62,707,521, T>A on the plus strand (A>T on the coding strand, the complement: KCNH5 is on the minus strand). VCF-style: chr14-62707521-T-A. GRCh37 (hg19) VCF-style: chr14-63174239-T-A.
Other names: c.*921A>T (NM_172375.3); short protein forms E985V.
Identifiers: ClinVar variation 2715154 (VCV002715154.3), dbSNP rs1264238792, ClinGen allele CA390099465.

ClinVar aggregate classification (germline): Uncertain significance (1 of 4 stars; one submission).

Conditions:
Early-infantile DEE. Also called: Early infantile epileptic encephalopathy with suppression bursts; Early infantile epileptic encephalopathy; Ohtahara syndrome. Identifiers: Orphanet 1934, MedGen C0393706, MONDO:0800491.

Allele frequency attached by ClinVar (database versions not stated): TOPMed below 0.00001; gnomAD 0.00001; gnomAD exomes 0.00001.
gnomAD v4.1: 5 of 1,442,666 alleles (0.00035%); highest among the groups gnomAD compares: Non-Finnish European, 0.00037%; no homozygotes.

Submission:

Labcorp Genetics (formerly Invitae), Labcorp
Classification: Uncertain significance for Early-infantile DEE. Last evaluated: 2025-12-03. Review status: criteria provided, single submitter. Criteria: Invitae Variant Classification Sherloc (09022015). Collection method: clinical testing. Allele origin: germline.
Comment: This sequence change replaces glutamic acid, which is acidic and polar, with valine, which is neutral and non-polar, at codon 985 of the KCNH5 protein (p.Glu985Val). This variant is present in population databases (no rsID available, gnomAD 0.001%). This variant has not been reported in the literature in individuals affected with KCNH5-related conditions. ClinVar contains an entry for this variant (Variation ID: 2715154). Invitae Evidence Modeling of protein sequence and biophysical properties (such as structural, functional, and spatial information, amino acid conservation, physicochemical variation, residue mobility, and thermodynamic stability) indicates that this missense variant is not expected to disrupt KCNH5 protein function with a negative predictive value of 95%. In summary, the available evidence is currently insufficient to determine the role of this variant in disease. Therefore, it has been classified as a Variant of Uncertain Significance.